The following is an entry in ClinVar:

NM_007294.4(BRCA1):c.2703T>G (p.Phe901Leu)

Gene: BRCA1 (BRCA1 DNA repair associated; minus strand). Cytogenetic location: 17q21.31.
Variant type: single nucleotide variant.
Coding change: c.2703T>G on transcript NM_007294.4 (MANE Select); coding-DNA position 2703, T replaced by G.
Protein change: p.Phe901Leu; replaces phenylalanine 901 with leucine.
Molecular consequence: missense variant. On other transcripts: intron variant (137).
Genome position (GRCh38, 1-based): chr17:43,092,828, A>C on the plus strand (T>G on the coding strand, the complement: BRCA1 is on the minus strand). VCF-style: chr17-43092828-A-C. GRCh37 (hg19) VCF-style: chr17-41244845-A-C.
Other names: c.2577T>G, p.Phe859Leu (NM_001407671.1, NM_001407672.1, NM_001407673.1 and 11 more transcripts); c.2580T>G, p.Phe860Leu (NM_001407674.1, NM_001407675.1, NM_001407676.1 and 19 more transcripts); c.2703T>G, p.Phe901Leu (NM_001407684.1, NM_001407854.1, NM_001407858.1 and 30 more transcripts); c.2562T>G, p.Phe854Leu (NM_001407692.1, NM_001407694.1, NM_001407695.1 and 29 more transcripts); c.2559T>G, p.Phe853Leu (NM_001407740.1, NM_001407741.1, NM_001407742.1 and 20 more transcripts); c.2490T>G, p.Phe830Leu (NM_001407853.1, NM_001407894.1, NM_001407895.1 and 9 more transcripts); c.2700T>G, p.Phe900Leu (NM_001407860.1, NM_001407861.1, NM_001407587.1 and 22 more transcripts); c.2502T>G, p.Phe834Leu (NM_001407862.1); and 41 more; short protein forms F733L, F830L, F854L, F859L, F860L, F875L, F898L, F900L.
Identifiers: ClinVar variation 1794958 (VCV001794958.4), dbSNP rs2154363694, ClinGen allele CA10596592.

ClinVar aggregate classification (germline): Likely benign. Review status: criteria provided, multiple submitters, no conflicts (2 of 4 stars). 2 submissions from 2 submitters: Likely benign (2). Last evaluated 2023-03-23.

Conditions:
Hereditary cancer-predisposing syndrome. Also called: Tumor predisposition; Hereditary Cancer Syndrome; Neoplastic Syndromes, Hereditary; Hereditary neoplastic syndrome. Identifiers: Orphanet 140162, MedGen C0027672, MeSH D009386, MONDO:0015356.

Submissions (2):

University of Washington Department of Laboratory Medicine, University of Washington
Classification: Likely benign for Hereditary cancer-predisposing syndrome. Last evaluated: 2023-03-23. Review status: criteria provided, single submitter. Criteria: Dines et al. (Genet Med. 2020). Collection method: curation. Allele origin: germline.
Comment: Missense variant in a coldspot region where missense variants are very unlikely to be pathogenic (PMID:31911673).

BRCA1 coldspot (exon 11 using historical exon numbering). Reclassification based on statistical prior probability

Ambry Genetics
Classification: Likely benign for Hereditary cancer-predisposing syndrome. Last evaluated: 2018-07-17. Review status: criteria provided, single submitter. Criteria: Ambry Variant Classification Scheme 2023. Collection method: clinical testing. Allele origin: germline.